The following is an entry in ClinVar:

ClinVar aggregate classification (germline): Uncertain significance (1 of 4 stars; one submission).

Conditions:
Hereditary cancer-predisposing syndrome. Also called: Neoplastic Syndromes, Hereditary; Tumor predisposition; Hereditary Cancer Syndrome; Hereditary neoplastic syndrome. Identifiers: Orphanet 140162, MedGen C0027672, MeSH D009386, MONDO:0015356.

Submission:

Ambry Genetics
Classification: Uncertain significance for Hereditary cancer-predisposing syndrome. Last evaluated: 2021-11-23. Review status: criteria provided, single submitter. Criteria: Ambry Variant Classification Scheme 2023. Collection method: clinical testing. Allele origin: germline.
Comment: The p.V219L variant (also known as c.655G>T), located in coding exon 7 of the NF2 gene, results from a G to T substitution at nucleotide position 655. The valine at codon 219 is replaced by leucine, an amino acid with highly similar properties. This amino acid position is highly conserved in available vertebrate species. In addition, this alteration is predicted to be deleterious by in silico analysis. Since supporting evidence is limited at this time, the clinical significance of this alteration remains unclear.

NM_000268.4(NF2):c.655G>T (p.Val219Leu)

Gene: NF2 (NF2, moesin-ezrin-radixin like (MERLIN) tumor suppressor; plus strand). Cytogenetic location: 22q12.2.
Variant type: single nucleotide variant.
Coding change: c.655G>T on transcript NM_000268.4 (MANE Select); coding-DNA position 655, G replaced by T.
Protein change: p.Val219Leu; replaces valine 219 with leucine.
Molecular consequence: missense variant. On other transcripts: non-coding transcript variant (1), intron variant (1).
Genome position (GRCh38, 1-based): chr22:29,658,244, G>T. VCF-style: chr22-29658244-G-T. GRCh37 (hg19) VCF-style: chr22-30054233-G-T.
Other names: c.655G>T, p.Val219Leu (NM_016418.5, NM_181825.3, NM_181832.3 and 4 more transcripts); c.529G>T, p.Val177Leu (NM_181828.3, NM_001407055.1); c.532G>T, p.Val178Leu (NM_181829.3, NM_001407054.1, NM_001407058.1 and 1 more transcripts); c.406G>T, p.Val136Leu (NM_181830.3, NM_181831.3, NM_001407063.1 and 1 more transcripts); c.447+15959G>T (NM_181833.3); c.541G>T, p.Val181Leu (NM_001407053.1, NM_001407056.1); c.121G>T, p.Val41Leu (NM_001407065.1); c.424G>T, p.Val142Leu (NM_001407067.1); short protein forms V178L, V219L, V41L, V142L, V181L, V136L, V177L.
Identifiers: ClinVar variation 1754199 (VCV001754199.2), dbSNP rs1555994816, ClinGen allele CA411143091.